The following is an entry in ClinVar:

NM_000127.3(EXT1):c.49C>T (p.Leu17Phe)

Gene: EXT1 (exostosin glycosyltransferase 1; minus strand). Cytogenetic location: 8q24.11.
Variant type: single nucleotide variant.
Coding change: c.49C>T on transcript NM_000127.3 (MANE Select); coding-DNA position 49, C replaced by T.
Protein change: p.Leu17Phe; replaces leucine 17 with phenylalanine.
Molecular consequence: missense variant.
Genome position (GRCh38, 1-based): chr8:118,110,998, G>A on the plus strand (C>T on the coding strand, the complement: EXT1 is on the minus strand). VCF-style: chr8-118110998-G-A. GRCh37 (hg19) VCF-style: chr8-119123237-G-A.
Other names: short protein forms L17F.
Identifiers: ClinVar variation 2675173 (VCV002675173.3), dbSNP rs2488053889, ClinGen allele CA371916710.

ClinVar aggregate classification (germline): Uncertain significance. Review status: criteria provided, multiple submitters, no conflicts (2 of 4 stars). 2 submissions from 2 submitters: Uncertain significance (2). Last evaluated 2024-04-06.

Conditions:
Chondrosarcoma. Also called: Chondrosarcoma, somatic. Identifiers: Orphanet 55880, MedGen C0008479, MONDO:0008977, OMIM 215300, HP:0006765.
Multiple congenital exostosis (EXT). Also called: Multiple osteochondromas; MULTIPLE CARTILAGINOUS EXOSTOSES; Hereditary multiple osteochondromas; Hereditary multiple exostoses; Hereditary multiple exostosis; Multiple exostoses. Identifiers: Orphanet 321, MedGen C0015306, MONDO:0005508, HP:0002762.

Submissions (2):

Labcorp Genetics (formerly Invitae), Labcorp
Classification: Uncertain significance for Multiple congenital exostosis. Last evaluated: 2024-04-06. Review status: criteria provided, single submitter. Criteria: Invitae Variant Classification Sherloc (09022015). Collection method: clinical testing. Allele origin: germline.
Comment: This sequence change replaces leucine, which is neutral and non-polar, with phenylalanine, which is neutral and non-polar, at codon 17 of the EXT1 protein (p.Leu17Phe). This variant is not present in population databases (gnomAD no frequency). This variant has not been reported in the literature in individuals affected with EXT1-related conditions. Advanced modeling of protein sequence and biophysical properties (such as structural, functional, and spatial information, amino acid conservation, physicochemical variation, residue mobility, and thermodynamic stability) has been performed at Invitae for this missense variant, however the output from this modeling did not meet the statistical confidence thresholds required to predict the impact of this variant on EXT1 protein function. In summary, the available evidence is currently insufficient to determine the role of this variant in disease. Therefore, it has been classified as a Variant of Uncertain Significance.

Baylor Genetics
Classification: Uncertain significance for Chondrosarcoma. Last evaluated: 2023-07-06. Review status: criteria provided, single submitter. Criteria: ACMG Guidelines, 2015. Collection method: clinical testing. Allele origin: unknown.